The following is an entry in ClinVar:

NM_006005.3(WFS1):c.28C>T (p.Pro10Ser)

Gene: WFS1 (wolframin ER transmembrane glycoprotein; plus strand). Cytogenetic location: 4p16.1.
Variant type: single nucleotide variant.
Coding change: c.28C>T on transcript NM_006005.3 (MANE Select); coding-DNA position 28, C replaced by T.
Protein change: p.Pro10Ser; replaces proline 10 with serine.
Molecular consequence: missense variant.
Genome position (GRCh38, 1-based): chr4:6,277,483, C>T. VCF-style: chr4-6277483-C-T. GRCh37 (hg19) VCF-style: chr4-6279210-C-T.
Other names: c.28C>T, p.Pro10Ser (NM_001145853.1); short protein forms P10S.
Identifiers: ClinVar variation 349302 (VCV000349302.15), dbSNP rs760256649, ClinGen allele CA2838778.

ClinVar aggregate classification (germline): Conflicting classifications of pathogenicity. Review status: criteria provided, conflicting classifications (1 of 4 stars). 9 submissions from 8 submitters: Uncertain significance (6); Benign (2); Likely benign (1). Last evaluated 2026-06-25.

Conditions:
Autosomal dominant nonsyndromic hearing loss 6 (LFSNHL). Also called: DEAFNESS, AUTOSOMAL DOMINANT 6; DEAFNESS, AUTOSOMAL DOMINANT 14; DEAFNESS, AUTOSOMAL DOMINANT 38; Autosomal dominant nonsyndromic deafness 6. Identifiers: Orphanet 90635, MedGen C1833021, MONDO:0010963, OMIM 600965.
Wolfram syndrome 1 (WFS1). Identifiers: Orphanet 3463, MedGen C4551693, MONDO:0009101, OMIM 222300.
Type 2 diabetes mellitus. Also called: Type II diabetes mellitus. Identifiers: MedGen C0011860, MeSH D003924, MONDO:0005148, OMIM 125853, HP:0005978.
WFS1-Related Spectrum Disorders.
Cataract 41 (CTRCT41). Also called: CATARACT 41, CONGENITAL NUCLEAR TYPE. Identifiers: Orphanet 91492, Orphanet 98991, Orphanet 98992, Orphanet 98995, MedGen C3805412, MONDO:0007287, OMIM 116400.
Wolfram-like syndrome. Also called: HEARING LOSS, PROGRESSIVE, WITH OPTIC ATROPHY AND/OR IMPAIRED GLUCOSE REGULATION. Identifiers: Orphanet 411590, MedGen C3280358, MONDO:0013673, OMIM 614296.

Allele frequency attached by ClinVar (database versions not stated): gnomAD exomes 0.00003 and 0.00007; gnomAD 0.00006; TOPMed 0.00006; ExAC 0.00026.

Submissions (9):

Women's Health and Genetics/Laboratory Corporation of America, LabCorp
Classification: Uncertain significance. Last evaluated: 2026-06-25. Review status: criteria provided, single submitter. Criteria: LabCorp Variant Classification Summary - May 2015. Collection method: clinical testing. Allele origin: germline.
Comment: Variant summary: WFS1 c.28C>T (p.Pro10Ser) results in a non-conservative amino acid change in the encoded protein sequence. Algorithms developed to predict the effect of missense changes on protein structure and function are either unavailable or do not agree on the potential impact of this missense change. The variant allele was found at a frequency of 7.3e-05 in 165480 control chromosomes. This frequency is not significantly higher than estimated for disease-causing variants in WFS1, allowing no conclusion about variant significance. To our knowledge, no occurrence of c.28C>T in individuals affected with WFS1-related conditions and no experimental evidence demonstrating its impact on protein function have been reported. ClinVar contains an entry for this variant (Variation ID: 349302). Based on the evidence outlined above, the variant was classified as uncertain significance.

Blueprint Genetics
Classification: Uncertain significance. Last evaluated: 2024-10-03. Review status: criteria provided, single submitter. Criteria: ACMG Guidelines, 2015. Collection method: clinical testing. Allele origin: germline.

Labcorp Genetics (formerly Invitae), Labcorp
Classification: Likely benign. Last evaluated: 2024-09-11. Review status: criteria provided, single submitter. Criteria: Invitae Variant Classification Sherloc (09022015). Collection method: clinical testing. Allele origin: germline.

Fulgent Genetics
Classification: Uncertain significance for Cataract 41; Type 2 diabetes mellitus; Wolfram syndrome 1; Autosomal dominant nonsyndromic hearing loss 6; Wolfram-like syndrome. Last evaluated: 2024-04-08. Review status: criteria provided, single submitter. Criteria: ACMG Guidelines, 2015. Collection method: clinical testing. Allele origin: germline.

Mendelics
Classification: Benign. Last evaluated: 2022-05-04. Review status: criteria provided, single submitter. Criteria: Mendelics Assertion Criteria 2019. Collection method: clinical testing. Allele origin: germline.

New York Genome Center
Classification: Uncertain significance for Wolfram syndrome 1; Type 2 diabetes mellitus. Last evaluated: 2022-03-15. Review status: criteria provided, single submitter. Criteria: NYGC Assertion Criteria 2020. Collection method: clinical testing. Allele origin: germline. Observed: 1 heterozygote.

Illumina Laboratory Services, Illumina
Classification: Uncertain significance for Autosomal dominant nonsyndromic hearing loss 6. Last evaluated: 2018-01-13. Review status: criteria provided, single submitter. Criteria: ICSL Variant Classification Criteria 13 December 2019. Collection method: clinical testing. Allele origin: germline.

Illumina Laboratory Services, Illumina
Classification: Uncertain significance for WFS1-Related Spectrum Disorders. Last evaluated: 2018-01-13. Review status: criteria provided, single submitter. Criteria: ICSL Variant Classification Criteria 13 December 2019. Collection method: clinical testing. Allele origin: germline.

Clinical Genomics, Uppaluri K&H Personalized Medicine Clinic
Classification: Benign for Wolfram syndrome 1. Review status: criteria provided, single submitter. Criteria: K & H Uppaluri Personalized Medicine Clinic Variant Classification & Assertion Criteria_Updated V.1. Collection method: research. Allele origin: unknown. Inheritance: Autosomal recessive inheritance.
Comment: Potent mutations in WFS1 gene are associated with Wolfram's syndrome, an autosomal recessive condition, which cause diabetes mellitus, diabetes insipidus, deafness and optic atrophy. However no sufficient evidence is found to ascertain the role of this particular variant rs760256649 in Wolfram's syndrome yet.

Literature cited by the submitters: PubMed 20738327 (cited by Clinical Genomics, Uppaluri K&H Personalized Medicine Clinic); PubMed 33879153 (cited by Clinical Genomics, Uppaluri K&H Personalized Medicine Clinic); PubMed 12955714 (cited by Clinical Genomics, Uppaluri K&H Personalized Medicine Clinic); PubMed 18060660 (cited by Clinical Genomics, Uppaluri K&H Personalized Medicine Clinic); PubMed 20301750 (cited by Clinical Genomics, Uppaluri K&H Personalized Medicine Clinic); PubMed 17603484 (cited by Clinical Genomics, Uppaluri K&H Personalized Medicine Clinic).